The following is an entry in ClinVar:

ClinVar aggregate classification (germline): Pathogenic/Likely pathogenic. Review status: criteria provided, multiple submitters, no conflicts (2 of 4 stars). 5 submissions from 5 submitters: Pathogenic (2); Likely pathogenic (1). 2 of the submissions do not count toward it. Last evaluated 2025-03-27.

Conditions:
Leukoencephalopathy with vanishing white matter 3 (VWM3). Also called: Leukoencephalopathy with vanishing white matter 3, with or without ovarian failure; EIF2B3-Related Childhood Ataxia with Central Nervous System Hypomyelination/Vanishing White Matter. Identifiers: MedGen C5830405, MONDO:0957871, OMIM 620313.
Vanishing white matter disease. Also called: Childhood ataxia with diffuse central nervous system hypomyelination; Leukoencephalopathy with vanishing white matter; CACH/VWM syndrome; Cree leukoencehalopathy; CACH syndrome. Identifiers: Orphanet 135, Orphanet 99853, MedGen C1858991, MONDO:0800448.

Submissions (5):

Women's Health and Genetics/Laboratory Corporation of America, LabCorp
Classification: Pathogenic for Vanishing white matter disease. Last evaluated: 2025-03-27. Review status: criteria provided, single submitter. Criteria: LabCorp Variant Classification Summary - May 2015. Collection method: clinical testing. Allele origin: germline.
Comment: Variant summary: EIF2B3 c.1037T>C (p.Ile346Thr) results in a non-conservative amino acid change in the encoded protein sequence. Three of five in-silico tools predict a damaging effect of the variant on protein function. The variant was absent in 251486 control chromosomes. c.1037T>C has been reported in the homozygous and compound heterozygous state in the literature in multiple individuals affected with Leukoencephalopathy With Vanishing White Matter (example, Zhang_2015) and has been proposed as a Chinese founder mutation. These data indicate that the variant is very likely to be associated with disease. To our knowledge, no experimental evidence demonstrating an impact on protein function has been reported. The following publication has been ascertained in the context of this evaluation (PMID: 25761052). ClinVar contains an entry for this variant (Variation ID: 4440). Based on the evidence outlined above, the variant was classified as pathogenic.

Labcorp Genetics (formerly Invitae), Labcorp
Classification: Pathogenic. Last evaluated: 2024-02-05. Review status: criteria provided, single submitter. Criteria: Invitae Variant Classification Sherloc (09022015). Collection method: clinical testing. Allele origin: germline.
Comment: This sequence change replaces isoleucine, which is neutral and non-polar, with threonine, which is neutral and polar, at codon 346 of the EIF2B3 protein (p.Ile346Thr). This variant is not present in population databases (gnomAD no frequency). This missense change has been observed in individual(s) with leukoencephalopathy with vanishing white matter (PMID: 19158808, 25761052). In at least one individual the data is consistent with being in trans (on the opposite chromosome) from a pathogenic variant. ClinVar contains an entry for this variant (Variation ID: 4440). Advanced modeling of protein sequence and biophysical properties (such as structural, functional, and spatial information, amino acid conservation, physicochemical variation, residue mobility, and thermodynamic stability) performed at Invitae indicates that this missense variant is not expected to disrupt EIF2B3 protein function with a negative predictive value of 80%. For these reasons, this variant has been classified as Pathogenic.

Juno Genomics, Hangzhou Juno Genomics, Inc
Classification: Likely pathogenic for Leukoencephalopathy with vanishing white matter 3. Review status: criteria provided, single submitter. Criteria: ACMG Guidelines, 2015. Collection method: clinical testing. Allele origin: germline. Affected: yes.
Comment: Absent from controls (or at extremely low frequency if recessive) in Genome Aggregation Database, Exome Sequencing Project, 1000 Genomes Project, or Exome Aggregation Consortium.;Multiple lines of computational evidence support a deleterious effect on the gene or gene product (conservation, evolutionary, splicing impact, etc).;For recessive disorders, detected in trans with a pathogenic variant.;Patient's phenotype or family history is highly specific for a disease with a single genetic etiology.

OMIM
Classification: Pathogenic for LEUKOENCEPHALOPATHY WITH VANISHING WHITE MATTER 3. Last evaluated: 2009-02-01. Review status: no assertion criteria provided. Collection method: literature only. Allele origin: germline. Not counted in ClinVar's aggregate classification.

GeneReviews
No classification provided. Condition: Vanishing white matter disease. Review status: no classification provided. Collection method: literature only. Allele origin: germline. Not counted in ClinVar's aggregate classification.
Comment: Chinese founder variant

Literature cited by the submitters: PubMed 25761052 (cited by 3 submitters); PubMed 19158808 (cited by Labcorp Genetics (formerly Invitae), Labcorp and OMIM); PubMed 20301435 (cited by GeneReviews).

NM_020365.5(EIF2B3):c.1037T>C (p.Ile346Thr)

Gene: EIF2B3 (eukaryotic translation initiation factor 2B subunit gamma; minus strand). Cytogenetic location: 1p34.1.
Variant type: single nucleotide variant.
Coding change: c.1037T>C on transcript NM_020365.5 (MANE Select); coding-DNA position 1037, T replaced by C.
Protein change: p.Ile346Thr; replaces isoleucine 346 with threonine.
Molecular consequence: missense variant.
Genome position (GRCh38, 1-based): chr1:44,875,634, A>G on the plus strand (T>C on the coding strand, the complement: EIF2B3 is on the minus strand). VCF-style: chr1-44875634-A-G. GRCh37 (hg19) VCF-style: chr1-45341306-A-G.
Other names: c.1037T>C, p.Ile346Thr (NM_001166588.3, NM_001261418.2); short protein forms I346T.
Identifiers: ClinVar variation 4440 (VCV000004440.11), dbSNP rs119474039, ClinGen allele CA340258.